The following is an entry in ClinVar:

ClinVar aggregate classification (germline): Uncertain significance (1 of 4 stars; one submission).

Conditions:
Methylmalonic acidemia due to transcobalamin receptor defect (MATR). Also called: METHYLMALONIC ACIDEMIA, TCblR TYPE; METHYLMALONIC ACIDURIA, TRANSIENT, DUE TO TRANSCOBALAMIN RECEPTOR DEFECT. Identifiers: Orphanet 280183, MedGen C4749905, MONDO:0013341, OMIM 613646.

Allele frequency attached by ClinVar (database versions not stated): gnomAD exomes below 0.00001.
gnomAD v4.1: 1 of 1,612,174 alleles (0.000062%); highest among the groups gnomAD compares: Non-Finnish European, 0.000085%; no homozygotes.

Submission:

Labcorp Genetics (formerly Invitae), Labcorp
Classification: Uncertain significance for Methylmalonic acidemia due to transcobalamin receptor defect. Last evaluated: 2022-08-15. Review status: criteria provided, single submitter. Criteria: Invitae Variant Classification Sherloc (09022015). Collection method: clinical testing. Allele origin: germline.
Comment: Algorithms developed to predict the effect of missense changes on protein structure and function are either unavailable or do not agree on the potential impact of this missense change (SIFT: "Deleterious"; PolyPhen-2: "Probably Damaging"; Align-GVGD: "Class C15"). This variant has not been reported in the literature in individuals affected with CD320-related conditions. In summary, the available evidence is currently insufficient to determine the role of this variant in disease. Therefore, it has been classified as a Variant of Uncertain Significance. This variant is not present in population databases (gnomAD no frequency). This sequence change replaces aspartic acid, which is acidic and polar, with asparagine, which is neutral and polar, at codon 77 of the CD320 protein (p.Asp77Asn).

NM_016579.4(CD320):c.229G>A (p.Asp77Asn)

Gene: CD320 (CD320 molecule; minus strand). Cytogenetic location: 19p13.2.
Variant type: single nucleotide variant.
Coding change: c.229G>A on transcript NM_016579.4 (MANE Select); coding-DNA position 229, G replaced by A.
Protein change: p.Asp77Asn; replaces aspartic acid 77 with asparagine.
Molecular consequence: missense variant. On other transcripts: intron variant (1).
Genome position (GRCh38, 1-based): chr19:8,305,070, C>T on the plus strand (G>A on the coding strand, the complement: CD320 is on the minus strand). VCF-style: chr19-8305070-C-T. GRCh37 (hg19) VCF-style: chr19-8369954-C-T.
Other names: c.143-982G>A (NM_001165895.2); short protein forms D77N.
Identifiers: ClinVar variation 2089940 (VCV002089940.4), dbSNP rs2512598633, ClinGen allele CA403715083.